The following is an entry in ClinVar:

ClinVar aggregate classification (germline): Uncertain significance. Review status: criteria provided, multiple submitters, no conflicts (2 of 4 stars). 2 submissions from 2 submitters: Uncertain significance (2). Last evaluated 2025-11-20.

Conditions:
Hereditary spastic paraplegia 73. Also called: Spastic paraplegia 73, autosomal dominant. Identifiers: Orphanet 444099, MedGen C5568981, MONDO:0014568, OMIM 616282.

gnomAD v4.1: 65 of 1,613,704 alleles (0.004%); highest among the groups gnomAD compares: Non-Finnish European, 0.0052%; no homozygotes.

Submissions (2):

Ambry Genetics
Classification: Uncertain significance. Last evaluated: 2025-11-20. Review status: criteria provided, single submitter. Criteria: Ambry Variant Classification Scheme 2023. Collection method: clinical testing. Allele origin: germline.

Labcorp Genetics (formerly Invitae), Labcorp
Classification: Uncertain significance for Hereditary spastic paraplegia 73. Last evaluated: 2025-05-06. Review status: criteria provided, single submitter. Criteria: Invitae Variant Classification Sherloc (09022015). Collection method: clinical testing. Allele origin: germline.
Comment: This sequence change replaces alanine, which is neutral and non-polar, with glutamic acid, which is acidic and polar, at codon 4 of the CPT1C protein (p.Ala4Glu). This variant is present in population databases (rs373245393, gnomAD 0.01%). This variant has not been reported in the literature in individuals affected with CPT1C-related conditions. An algorithm developed to predict the effect of missense changes on protein structure and function (PolyPhen-2) suggests that this variant is likely to be disruptive. In summary, the available evidence is currently insufficient to determine the role of this variant in disease. Therefore, it has been classified as a Variant of Uncertain Significance.

NM_001199753.2(CPT1C):c.11C>A (p.Ala4Glu)

Gene: CPT1C (carnitine palmitoyltransferase 1C; plus strand). Cytogenetic location: 19q13.33.
Variant type: single nucleotide variant.
Coding change: c.11C>A on transcript NM_001199753.2 (MANE Select); coding-DNA position 11, C replaced by A.
Protein change: p.Ala4Glu; replaces alanine 4 with glutamic acid.
Molecular consequence: missense variant. On other transcripts: non-coding transcript variant (1).
Genome position (GRCh38, 1-based): chr19:49,692,263, C>A. VCF-style: chr19-49692263-C-A. GRCh37 (hg19) VCF-style: chr19-50195520-C-A.
Other names: c.11C>A, p.Ala4Glu (NM_001136052.3, NM_001199752.3, NM_001378482.1 and 7 more transcripts); short protein forms A4E.
Identifiers: ClinVar variation 4656289 (VCV004656289.2).
Genomic context (GRCh38, chr19:49,692,263, plus strand): 5'-GGCTGGGGTCCTGAAGTATGACTCTGCCCGACTCAGGGCTCCAGCGTGACATGGCTGAAG[C>A]GCACCAGGCCGTGGGCTTCCGACCCTCGCTGACCTCGGACGGGGCTGAAGTGGAACTCAG-3'
Protein context (NP_001186682.1, residues 1-14): MAE[Ala4Glu]HQAVGFRPSL